The following is an entry in ClinVar:

ClinVar aggregate classification (germline): Pathogenic (1 of 4 stars; one submission).

Conditions:
Charcot-Marie-Tooth disease axonal type 2T. Identifiers: Orphanet 443950, MedGen C4015635, OMIM 617017, MONDO:0014866.

Submission:

Women's Health and Genetics/Laboratory Corporation of America, LabCorp
Classification: Pathogenic for Charcot-Marie-Tooth disease axonal type 2T. Last evaluated: 2026-01-27. Review status: criteria provided, single submitter. Criteria: LabCorp Variant Classification Summary - May 2015. Collection method: clinical testing. Allele origin: germline.
Comment: Variant summary: MME c.494_495delAT (p.Tyr165TrpfsX20) results in a premature termination codon, predicted to cause a truncation of the encoded protein or absence of the protein due to nonsense mediated decay, which are commonly known mechanisms for disease. The variant was absent in 250262 control chromosomes. To our knowledge, no occurrence of c.494_495delAT in individuals affected with MME-related conditions and no experimental evidence demonstrating its impact on protein function have been reported. No submitters have cited clinical-significance assessments for this variant to ClinVar. Based on the evidence outlined above, the variant was classified as pathogenic.

NM_007289.4(MME):c.494_495del (p.Tyr165fs)

Gene: MME (membrane metalloendopeptidase; plus strand). Cytogenetic location: 3q25.2.
Variant type: Microsatellite.
Coding change: c.494_495del on transcript NM_007289.4 (MANE Select); coding-DNA positions 494 to 495, 2 bases deleted (AT; older notation c.494_495delAT).
Protein change: p.Tyr165fs; shifts the reading frame from tyrosine 165.
Molecular consequence: frameshift variant.
Genome position (GRCh38, 1-based): chr3:155,116,718-155,116,719, AT deleted; deleting any 2 consecutive bases within chr3:155,116,714-155,116,719 gives the same sequence; the c. name uses the placement nearest the transcript's 3' end. VCF-style (leftmost placement, unchanged base first): chr3-155116713-CAT-C. GRCh37 (hg19) VCF-style: chr3-154834502-CAT-C.
Other names: c.494_495del, p.Tyr165fs (NM_000902.5, NM_001354642.2, NM_001354643.1 and 2 more transcripts); c.494_495delAT (NM_007289.4); short protein forms Y165fs.
Identifiers: ClinVar variation 4689564 (VCV004689564.1).